The following is an entry in ClinVar:

ClinVar aggregate classification (germline): Uncertain significance. Review status: criteria provided, multiple submitters, no conflicts (2 of 4 stars). 2 submissions from 2 submitters: Uncertain significance (2). Last evaluated 2024-02-23.

Conditions:
Episodic ataxia type 2 (EA2). Also called: ATAXIA, EPISODIC, WITH NYSTAGMUS; ATAXIA, FAMILIAL PAROXYSMAL; CEREBELLAR ATAXIA, PAROXYSMAL, ACETAZOLAMIDE-RESPONSIVE; CEREBELLOPATHY, HEREDITARY PAROXYSMAL; EPISODIC ATAXIA, NYSTAGMUS-ASSOCIATED; ACETAZOLAMIDE-RESPONSIVE HEREDITARY PAROXYSMAL CEREBELLAR ATAXIA. Identifiers: Orphanet 97, MedGen C1720416, MONDO:0007163, OMIM 108500.
Developmental and epileptic encephalopathy, 42 (DEE42A). Also called: Epileptic encephalopathy, early infantile, 42; DEVELOPMENTAL AND EPILEPTIC ENCEPHALOPATHY 42A; EPILEPTIC ENCEPHALOPATHY, EARLY INFANTILE, 42A. Identifiers: MedGen C4310716, MONDO:0014917, OMIM 617106.

Allele frequency attached by ClinVar (database versions not stated): gnomAD exomes 0.00001; ExAC 0.00002; TOPMed 0.00002.
gnomAD v4.1: 13 of 1,613,520 alleles (0.00081%); highest among the groups gnomAD compares: Admixed American, 0.0017%; no homozygotes.

Submissions (2):

Labcorp Genetics (formerly Invitae), Labcorp
Classification: Uncertain significance for Developmental and epileptic encephalopathy, 42; Episodic ataxia type 2. Last evaluated: 2024-02-23. Review status: criteria provided, single submitter. Criteria: Invitae Variant Classification Sherloc (09022015). Collection method: clinical testing. Allele origin: germline.
Comment: This sequence change replaces arginine, which is basic and polar, with histidine, which is basic and polar, at codon 481 of the CACNA1A protein (p.Arg481His). This variant is present in population databases (rs761827501, gnomAD 0.003%). This variant has not been reported in the literature in individuals affected with CACNA1A-related conditions. ClinVar contains an entry for this variant (Variation ID: 1311972). Advanced modeling of protein sequence and biophysical properties (such as structural, functional, and spatial information, amino acid conservation, physicochemical variation, residue mobility, and thermodynamic stability) performed at Invitae indicates that this missense variant is expected to disrupt CACNA1A protein function with a positive predictive value of 95%. In summary, the available evidence is currently insufficient to determine the role of this variant in disease. Therefore, it has been classified as a Variant of Uncertain Significance.

GeneDx
Classification: Uncertain significance. Last evaluated: 2022-09-14. Review status: criteria provided, single submitter. Criteria: GeneDx Variant Classification Process June 2021. Collection method: clinical testing. Allele origin: germline. Affected: yes.
Comment: Not observed at significant frequency in large population cohorts (gnomAD); In silico analysis supports that this missense variant has a deleterious effect on protein structure/function; Has not been previously published as pathogenic or benign to our knowledge

NM_001127222.2(CACNA1A):c.1439G>A (p.Arg480His)

Gene: CACNA1A (calcium voltage-gated channel subunit alpha1 A; minus strand). Cytogenetic location: 19p13.13.
Variant type: single nucleotide variant.
Coding change: c.1439G>A on transcript NM_001127222.2 (MANE Select); coding-DNA position 1439, G replaced by A.
Protein change: p.Arg480His; replaces arginine 480 with histidine.
Molecular consequence: missense variant.
Genome position (GRCh38, 1-based): chr19:13,317,228, C>T on the plus strand (G>A on the coding strand, the complement: CACNA1A is on the minus strand). VCF-style: chr19-13317228-C-T. GRCh37 (hg19) VCF-style: chr19-13428042-C-T.
Other names: c.1442G>A, p.Arg481His (NM_000068.4, NM_001127221.2, NM_001174080.2 and 1 more transcripts); short protein forms R480H, R481H.
Identifiers: ClinVar variation 1311972 (VCV001311972.6), dbSNP rs761827501, ClinGen allele CA9240812.